The following is an entry in ClinVar:

NM_001267550.2(TTN):c.19003G>A (p.Asp6335Asn)

Gene: TTN (titin; minus strand). Cytogenetic location: 2q31.2.
Variant type: single nucleotide variant.
Coding change: c.19003G>A on transcript NM_001267550.2 (MANE Select); coding-DNA position 19003, G replaced by A.
Protein change: p.Asp6335Asn; replaces aspartic acid 6335 with asparagine.
Molecular consequence: missense variant. On other transcripts: intron variant (3).
Genome position (GRCh38, 1-based): chr2:178,729,035, C>T on the plus strand (G>A on the coding strand, the complement: TTN is on the minus strand). VCF-style: chr2-178729035-C-T. GRCh37 (hg19) VCF-style: chr2-179593762-C-T.
Other names: c.18052G>A, p.Asp6018Asn (NM_001256850.1); c.15271G>A, p.Asp5091Asn (NM_133378.4); c.13282+9047G>A (NM_003319.4); c.13858+9047G>A (NM_133437.4); c.13657+9047G>A (NM_133432.3); short protein forms D5091N, D6018N, D6335N.
Identifiers: ClinVar variation 2651688 (VCV002651688.24), dbSNP rs1346291126, ClinGen allele CA349558519.

ClinVar aggregate classification (germline): Uncertain significance (1 of 4 stars; one submission).

Allele frequency attached by ClinVar (database versions not stated): gnomAD exomes below 0.00001.
gnomAD v4.1: 2 of 1,612,848 alleles (0.00012%); highest among the groups gnomAD compares: Non-Finnish European, 0.00017%; no homozygotes.

Submission:

CeGaT Center for Human Genetics Tuebingen
Classification: Uncertain significance. Last evaluated: 2023-02-01. Review status: criteria provided, single submitter. Criteria: CeGaT Center For Human Genetics Tuebingen Variant Classification Criteria Version 2. Collection method: clinical testing. Allele origin: germline. Affected: yes. Observed: 1 variant allele.
Comment: TTN: PM2, BP4